The following is an entry in ClinVar:

ClinVar aggregate classification (germline): Uncertain significance (1 of 4 stars; one submission).

Allele frequency attached by ClinVar (database versions not stated): ESP Exome Variant Server 0.00008; ExAC 0.00003.
gnomAD v4.1: 140 of 1,613,908 alleles (0.0087%); highest among the groups gnomAD compares: Non-Finnish European, 0.011%; no homozygotes.

Submission:

Labcorp Genetics (formerly Invitae), Labcorp
Classification: Uncertain significance. Last evaluated: 2024-01-08. Review status: criteria provided, single submitter. Criteria: Invitae Variant Classification Sherloc (09022015). Collection method: clinical testing. Allele origin: germline.
Comment: This sequence change replaces alanine, which is neutral and non-polar, with serine, which is neutral and polar, at codon 777 of the EXTL3 protein (p.Ala777Ser). This variant is present in population databases (rs369382883, gnomAD 0.01%). This variant has not been reported in the literature in individuals affected with EXTL3-related conditions. ClinVar contains an entry for this variant (Variation ID: 1057736). Advanced modeling of protein sequence and biophysical properties (such as structural, functional, and spatial information, amino acid conservation, physicochemical variation, residue mobility, and thermodynamic stability) performed at Invitae indicates that this missense variant is not expected to disrupt EXTL3 protein function with a negative predictive value of 80%. In summary, the available evidence is currently insufficient to determine the role of this variant in disease. Therefore, it has been classified as a Variant of Uncertain Significance.

NM_001440.4(EXTL3):c.2329G>T (p.Ala777Ser)

Gene: EXTL3 (exostosin like glycosyltransferase 3; plus strand). Cytogenetic location: 8p21.1.
Variant type: single nucleotide variant.
Coding change: c.2329G>T on transcript NM_001440.4 (MANE Select); coding-DNA position 2329, G replaced by T.
Protein change: p.Ala777Ser; replaces alanine 777 with serine.
Molecular consequence: missense variant. On other transcripts: non-coding transcript variant (1).
Genome position (GRCh38, 1-based): chr8:28,737,571, G>T. VCF-style: chr8-28737571-G-T. GRCh37 (hg19) VCF-style: chr8-28595088-G-T.
Other names: short protein forms A777S.
Identifiers: ClinVar variation 1057736 (VCV001057736.3), dbSNP rs369382883, ClinGen allele CA4696410.
Genomic context (GRCh38, chr8:28,737,571, plus strand): 5'-TTTTCAAGGGTGTGGAGAGAAGCTCGGGACCGCATCGTGGGCTTCCCTGGCCGTTACCAC[G>T]CATGGGACATCCCCCATCAGTCCTGGCTCTACAACTCCAACTACTCCTGTGAGCTGTCCA-3'
Protein context (NP_001431.1, residues 767-787): RIVGFPGRYH[Ala777Ser]WDIPHQSWLY